The following is an entry in ClinVar:

NM_001122955.4(BSCL2):c.986G>A (p.Arg329Gln)

Genes: BSCL2 (BSCL2 lipid droplet biogenesis associated, seipin; minus strand), HNRNPUL2-BSCL2 (HNRNPUL2-BSCL2 readthrough (NMD candidate); minus strand). Cytogenetic location: 11q12.3.
Variant type: single nucleotide variant.
Coding change: c.986G>A on transcript NM_001122955.4 (MANE Select); coding-DNA position 986, G replaced by A.
Protein change: p.Arg329Gln; replaces arginine 329 with glutamine.
Molecular consequence: missense variant. On other transcripts: non-coding transcript variant (1), intron variant (1).
Genome position (GRCh38, 1-based): chr11:62,691,299, C>T on the plus strand (G>A on the coding strand, the complement: BSCL2 is on the minus strand). VCF-style: chr11-62691299-C-T. GRCh37 (hg19) VCF-style: chr11-62458771-C-T.
Other names: c.986G>A, p.Arg329Gln (NM_001386027.1, NM_001386028.1); c.794G>A, p.Arg265Gln (NM_032667.6); c.672-158G>A (NM_001130702.2); short protein forms R265Q, R329Q.
Identifiers: ClinVar variation 879799 (VCV000879799.16), dbSNP rs771322168, ClinGen allele CA6053393.
Genomic context (GRCh38, chr11:62,691,299, plus strand): 5'-AAAGATCAAAGGGACAAAAGGGGGTCCTTGCCCCTTTCGACCTGCAAAGAGAAGCGGTGT[C>T]GGGGCCAGATGCCCCCCCACACCCACTGCATGTAGCTGAAGAGCACGATGACGCTGAGGA-3'
Protein context (NP_001116427.1, residues 319-339): MQWVWGGIWP[Arg329Gln]HRFSLQVNIR

ClinVar aggregate classification (germline): Uncertain significance. Review status: criteria provided, multiple submitters, no conflicts (2 of 4 stars). 4 submissions from 3 submitters: Uncertain significance (4). Last evaluated 2025-08-10.

Conditions:
Charcot-Marie-Tooth disease type 2. Also called: Charcot-Marie-Tooth type 2. Identifiers: Orphanet 64746, MedGen C0270914, MONDO:0018993.
Congenital generalized lipodystrophy type 2 (CGL2). Also called: SEIP SYNDROME; BERARDINELLI SYNDROME; BRUNZELL SYNDROME, BSCL2-RELATED; Berardinelli-Seip Congenital Lipodystrophy Type 2. Identifiers: Orphanet 528, Orphanet 696289, MedGen C1720863, MONDO:0010020, OMIM 269700.
Neuronopathy, distal hereditary motor, type 5A (HMND5). Also called: Distal Spinal Muscular Atrophy V (dSMA-V); Distal Spinal Muscular Atrophy V; DHMN VA; NEURONOPATHY, DISTAL HEREDITARY MOTOR, AUTOSOMAL DOMINANT 5. Identifiers: Orphanet 139536, MedGen CN031873, MONDO:0015353, OMIM 600794.
Hereditary spastic paraplegia 17. Also called: Silver spastic paraplegia syndrome; Spastic Paraplegia 17; Autosomal dominant spastic paraplegia type 17; Silver Syndrome; SPASTIC PARAPLEGIA WITH AMYOTROPHY OF HANDS AND FEET. Identifiers: Orphanet 100998, MedGen C2931276, MONDO:0010043, OMIM 270685.
Severe neurodegenerative syndrome with lipodystrophy. Also called: Encephalopathy, progressive, with or without lipodystrophy; ENCEPHALOPATHY, PROGRESSIVE, WITH LIPODYSTROPHY. Identifiers: Orphanet 363400, MedGen C4014700, MONDO:0014402, OMIM 615924.
Neuronopathy, distal hereditary motor, type 5C. Also called: NEURONOPATHY, DISTAL HEREDITARY MOTOR, HARDING TYPE VC; NEUROPATHY, DISTAL HEREDITARY MOTOR, HARDING TYPE VC; SPINAL MUSCULAR ATROPHY, DISTAL, HARDING TYPE VC; DHMN VC; NEURONOPATHY, DISTAL HEREDITARY MOTOR, AUTOSOMAL DOMINANT 13. Identifiers: MedGen C5436838, MONDO:0030860, OMIM 619112.

Allele frequency attached by ClinVar (database versions not stated): gnomAD exomes 0.00002 and 0.00004; TOPMed 0.00001; ExAC 0.00002.
gnomAD v4.1: 57 of 1,614,036 alleles (0.0035%); highest among the groups gnomAD compares: East Asian, 0.098%; no homozygotes.

Submissions (4):

Labcorp Genetics (formerly Invitae), Labcorp
Classification: Uncertain significance for Charcot-Marie-Tooth disease type 2. Last evaluated: 2025-08-10. Review status: criteria provided, single submitter. Criteria: Invitae Variant Classification Sherloc (09022015). Collection method: clinical testing. Allele origin: germline.
Comment: This sequence change replaces arginine, which is basic and polar, with glutamine, which is neutral and polar, at codon 265 of the BSCL2 protein (p.Arg265Gln). This variant is present in population databases (rs771322168, gnomAD 0.02%). This variant has not been reported in the literature in individuals affected with BSCL2-related conditions. ClinVar contains an entry for this variant (Variation ID: 879799). Invitae Evidence Modeling of protein sequence and biophysical properties (such as structural, functional, and spatial information, amino acid conservation, physicochemical variation, residue mobility, and thermodynamic stability) indicates that this missense variant is not expected to disrupt BSCL2 protein function with a negative predictive value of 80%. In summary, the available evidence is currently insufficient to determine the role of this variant in disease. Therefore, it has been classified as a Variant of Uncertain Significance.

Fulgent Genetics
Classification: Uncertain significance for Congenital generalized lipodystrophy type 2; Hereditary spastic paraplegia 17; Severe neurodegenerative syndrome with lipodystrophy; Neuronopathy, distal hereditary motor, type 5C. Last evaluated: 2021-09-15. Review status: criteria provided, single submitter. Criteria: ACMG Guidelines, 2015. Collection method: clinical testing. Allele origin: unknown.

Illumina Laboratory Services, Illumina
Classification: Uncertain significance for Congenital generalized lipodystrophy type 2. Last evaluated: 2018-01-13. Review status: criteria provided, single submitter. Criteria: ICSL Variant Classification Criteria 13 December 2019. Collection method: clinical testing. Allele origin: germline.

Illumina Laboratory Services, Illumina
Classification: Uncertain significance for Neuronopathy, distal hereditary motor, type 5A. Last evaluated: 2018-01-13. Review status: criteria provided, single submitter. Criteria: ICSL Variant Classification Criteria 13 December 2019. Collection method: clinical testing. Allele origin: germline.